The following is an entry in ClinVar:

ClinVar aggregate classification (germline): Likely benign. Review status: criteria provided, multiple submitters, no conflicts (2 of 4 stars). 2 submissions from 2 submitters: Likely benign (2). Last evaluated 2025-04-22.

Conditions:
Methylmalonic aciduria, cblB type (MACB). Also called: METHYLMALONIC ACIDURIA, VITAMIN B12-RESPONSIVE, DUE TO DEFECT IN SYNTHESIS OF ADENOSYLCOBALAMIN, cblB TYPE; Vitamin B12-responsive methylmalonic acidemia type cblB; Methylmalonic acidemia cblB type. Identifiers: Orphanet 28, Orphanet 79311, MedGen C1855102, MONDO:0009614, OMIM 251110.

Allele frequency attached by ClinVar (database versions not stated): TOPMed below 0.00001; gnomAD exomes 0.00001.
gnomAD v4.1: 12 of 1,601,552 alleles (0.00075%); highest among the groups gnomAD compares: Non-Finnish European, 0.001%; no homozygotes.

Submissions (2):

Labcorp Genetics (formerly Invitae), Labcorp
Classification: Likely benign for Methylmalonic aciduria, cblB type. Last evaluated: 2025-04-22. Review status: criteria provided, single submitter. Criteria: Invitae Variant Classification Sherloc (09022015). Collection method: clinical testing. Allele origin: germline.

GeneDx
Classification: Likely benign. Last evaluated: 2016-02-23. Review status: criteria provided, single submitter. Criteria: GeneDx Variant Classification (06012015). Collection method: clinical testing. Allele origin: germline. Affected: yes.
Comment: This variant is considered likely benign or benign based on one or more of the following criteria: it is a conservative change, it occurs at a poorly conserved position in the protein, it is predicted to be benign by multiple in silico algorithms, and/or has population frequency not consistent with disease.

NM_052845.4(MMAB):c.421+14T>A

Gene: MMAB (metabolism of cobalamin associated B; minus strand). Cytogenetic location: 12q24.11.
Variant type: single nucleotide variant.
Coding change: c.421+14T>A on transcript NM_052845.4 (MANE Select); 14 bases into the intron after coding-DNA position 421, T replaced by A.
Molecular consequence: intron variant.
Genome position (GRCh38, 1-based): chr12:109,561,766, A>T on the plus strand (T>A on the coding strand, the complement: MMAB is on the minus strand). VCF-style: chr12-109561766-A-T. GRCh37 (hg19) VCF-style: chr12-109999571-A-T.
Identifiers: ClinVar variation 383512 (VCV000383512.4), dbSNP rs760915792, ClinGen allele CA16607062.